The following is an entry in ClinVar:

ClinVar aggregate classification (germline): Uncertain significance (1 of 4 stars; one submission).

Conditions:
Hajdu-Cheney syndrome (HJCYS). Also called: Acroosteolysis dominant type; ACROOSTEOLYSIS WITH OSTEOPOROSIS AND CHANGES IN SKULL AND MANDIBLE; SERPENTINE FIBULA-POLYCYSTIC KIDNEY SYNDROME. Identifiers: Orphanet 955, MedGen C0917715, MONDO:0007057, OMIM 102500.

Submission:

Labcorp Genetics (formerly Invitae), Labcorp
Classification: Uncertain significance for Hajdu-Cheney syndrome. Last evaluated: 2025-03-22. Review status: criteria provided, single submitter. Criteria: Invitae Variant Classification Sherloc (09022015). Collection method: clinical testing. Allele origin: germline.
Comment: This sequence change falls in intron 14 of the NOTCH2 gene. It does not directly change the encoded amino acid sequence of the NOTCH2 protein. It affects a nucleotide within the consensus splice site. This variant is not present in population databases (gnomAD no frequency). This variant has not been reported in the literature in individuals affected with NOTCH2-related conditions. Variants that disrupt the consensus splice site are a relatively common cause of aberrant splicing (PMID: 17576681, 9536098). Algorithms developed to predict the effect of sequence changes on RNA splicing suggest that this variant is not likely to affect RNA splicing. In summary, the available evidence is currently insufficient to determine the role of this variant in disease. Therefore, it has been classified as a Variant of Uncertain Significance.

Literature cited by the submitters: PubMed 17576681; PubMed 9536098.

NM_024408.4(NOTCH2):c.2366-3C>T

Gene: NOTCH2 (notch receptor 2; minus strand). Cytogenetic location: 1p12.
Variant type: single nucleotide variant.
Coding change: c.2366-3C>T on transcript NM_024408.4 (MANE Select); 3 bases into the intron before coding-DNA position 2366, C replaced by T.
Molecular consequence: intron variant.
Genome position (GRCh38, 1-based): chr1:119,950,840, G>A on the plus strand (C>T on the coding strand, the complement: NOTCH2 is on the minus strand). VCF-style: chr1-119950840-G-A. GRCh37 (hg19) VCF-style: chr1-120493463-G-A.
Other names: c.2366-3C>T (NM_001200001.2).
Identifiers: ClinVar variation 4742494 (VCV004742494.1).
Genomic context (GRCh38, chr1:119,950,840, plus strand): 5'-CCTTGGTTCAGGCATGGATTTGAGGCACATTCATCAATATTCACCTGGCAGTTATAGCCT[G>A]TAGACAAAAGGAAAAAACCAAAAACAGTAAAACTTTCTGACAGCCTCATCAATTTCTAAC-3'